The following is an entry in ClinVar:

NM_001127222.2(CACNA1A):c.5370del (p.Phe1790fs)

Gene: CACNA1A (calcium voltage-gated channel subunit alpha1 A; minus strand). Cytogenetic location: 19p13.13.
Variant type: Deletion.
Coding change: c.5370del on transcript NM_001127222.2 (MANE Select); coding-DNA position 5370, one base deleted (T; older notation c.5370delT).
Protein change: p.Phe1790fs; shifts the reading frame from phenylalanine 1790.
Molecular consequence: frameshift variant.
Genome position (GRCh38, 1-based): chr19:13,231,740, A deleted on the plus strand (T on the coding strand, the reverse complement: CACNA1A is on the minus strand); the first of 3 consecutive A bases (chr19:13,231,740-13,231,742); deleting any one gives the same sequence. VCF-style (leftmost placement, unchanged base first): chr19-13231739-CA-C. GRCh37 (hg19) VCF-style: chr19-13342553-CA-C.
Other names: c.5388del, p.Phe1796fs (NM_000068.4, NM_023035.3); c.5373del, p.Phe1791fs (NM_001127221.2); c.5379del, p.Phe1793fs (NM_001174080.2); short protein forms F1796fs, F1793fs, F1790fs, F1791fs.
Identifiers: ClinVar variation 4787161 (VCV004787161.1).
Genomic context (GRCh38, chr19:13,231,739, plus strand): 5'-CAGACGGCCCTCACAGTGTCCACAGACTCACCAGAAACGAGCAGAGGAAGATGAAGGAAA[CA>C]AAGTAAAAATAAGCAAATTCATTGCCACACTCTCGAGTCAGGATGCCAGAGTTCTTATCA-3'

ClinVar aggregate classification (germline): Pathogenic (1 of 4 stars; one submission).

Conditions:
Episodic ataxia type 2 (EA2). Also called: ACETAZOLAMIDE-RESPONSIVE HEREDITARY PAROXYSMAL CEREBELLAR ATAXIA; ATAXIA, EPISODIC, WITH NYSTAGMUS; ATAXIA, FAMILIAL PAROXYSMAL; CEREBELLAR ATAXIA, PAROXYSMAL, ACETAZOLAMIDE-RESPONSIVE; CEREBELLOPATHY, HEREDITARY PAROXYSMAL; EPISODIC ATAXIA, NYSTAGMUS-ASSOCIATED. Identifiers: Orphanet 97, MedGen C1720416, MONDO:0007163, OMIM 108500.
Developmental and epileptic encephalopathy, 42 (DEE42A). Also called: Epileptic encephalopathy, early infantile, 42; DEVELOPMENTAL AND EPILEPTIC ENCEPHALOPATHY 42A; EPILEPTIC ENCEPHALOPATHY, EARLY INFANTILE, 42A. Identifiers: MedGen C4310716, MONDO:0014917, OMIM 617106.

Submission:

Labcorp Genetics (formerly Invitae), Labcorp
Classification: Pathogenic for Developmental and epileptic encephalopathy, 42; Episodic ataxia type 2. Last evaluated: 2025-12-30. Review status: criteria provided, single submitter. Criteria: Invitae Variant Classification Sherloc (09022015). Collection method: clinical testing. Allele origin: germline.
Comment: This sequence change creates a premature translational stop signal (p.Phe1791Leufs*11) in the CACNA1A gene. It is expected to result in an absent or disrupted protein product. Loss-of-function variants in CACNA1A are known to be pathogenic (PMID: 10371528, 19486177, 25735478, 27250579). This variant is not present in population databases (gnomAD no frequency). This variant has not been reported in the literature in individuals affected with CACNA1A-related conditions. For these reasons, this variant has been classified as Pathogenic.

Literature cited by the submitters: PubMed 10371528; PubMed 19486177; PubMed 25735478; PubMed 27250579.